The following is an entry in ClinVar:

ClinVar aggregate classification (germline): Conflicting classifications of pathogenicity. Review status: criteria provided, conflicting classifications (1 of 4 stars). 3 submissions from 3 submitters: Uncertain significance (1); Likely benign (2). Last evaluated 2025-12-08.

Conditions:
Long QT syndrome (LQTS). Identifiers: MedGen C0023976, MeSH D008133, MONDO:0002442. Disease mechanism: loss of function. Inheritance: Various modes of inheritance.

Allele frequency attached by ClinVar (database versions not stated): TOPMed below 0.00001.
gnomAD v4.1: 3 of 1,613,164 alleles (0.00019%); highest among the groups gnomAD compares: Non-Finnish European, 0.00017%; no homozygotes.

Submissions (3):

Labcorp Genetics (formerly Invitae), Labcorp
Classification: Likely benign for Long QT syndrome. Last evaluated: 2025-12-08. Review status: criteria provided, single submitter. Criteria: Invitae Variant Classification Sherloc (09022015). Collection method: clinical testing. Allele origin: germline.

CeGaT Center for Human Genetics Tuebingen
Classification: Uncertain significance. Last evaluated: 2024-07-01. Review status: criteria provided, single submitter. Criteria: CeGaT Center For Human Genetics Tuebingen Variant Classification Criteria Version 2. Collection method: clinical testing. Allele origin: germline. Affected: yes. Observed: 1 variant allele.
Comment: AKAP9: PM2, BP4

Blueprint Genetics
Classification: Likely benign. Last evaluated: 2023-08-17. Review status: criteria provided, single submitter. Criteria: ACMG Guidelines, 2015. Collection method: clinical testing. Allele origin: germline.

NM_005751.5(AKAP9):c.6330+7A>G

Gene: AKAP9 (A-kinase anchoring protein 9; plus strand). Cytogenetic location: 7q21.2.
Variant type: single nucleotide variant.
Coding change: c.6330+7A>G on transcript NM_005751.5 (MANE Select); 7 bases into the intron after coding-DNA position 6330, A replaced by G.
Molecular consequence: intron variant.
Genome position (GRCh38, 1-based): chr7:92,066,553, A>G. VCF-style: chr7-92066553-A-G. GRCh37 (hg19) VCF-style: chr7-91695867-A-G.
Other names: c.6330+7A>G (NM_147185.3); c.975+7A>G (NM_001379277.1).
Identifiers: ClinVar variation 1976529 (VCV001976529.23), dbSNP rs1235885918, ClinGen allele CA843822575.